The following is an entry in ClinVar:

NM_001042492.3(NF1):c.5505G>T (p.Gln1835His)

Gene: NF1 (neurofibromin 1; plus strand). Cytogenetic location: 17q11.2.
Variant type: single nucleotide variant.
Coding change: c.5505G>T on transcript NM_001042492.3 (MANE Select); coding-DNA position 5505, G replaced by T.
Protein change: p.Gln1835His; replaces glutamine 1835 with histidine.
Molecular consequence: missense variant.
Genome position (GRCh38, 1-based): chr17:31,327,735, G>T. VCF-style: chr17-31327735-G-T. GRCh37 (hg19) VCF-style: chr17-29654753-G-T.
Other names: c.5442G>T, p.Gln1814His (NM_000267.4); short protein forms Q1814H, Q1835H.
Identifiers: ClinVar variation 1062041 (VCV001062041.7), dbSNP rs1555533615, ClinGen allele CA399009641.

ClinVar aggregate classification (germline): Uncertain significance. Review status: criteria provided, multiple submitters, no conflicts (2 of 4 stars). 2 submissions from 2 submitters: Uncertain significance (2). Last evaluated 2020-04-14.

Conditions:
Cardiovascular phenotype. Identifiers: MedGen CN230736.
Hereditary cancer-predisposing syndrome. Also called: Tumor predisposition; Neoplastic Syndromes, Hereditary; Hereditary Cancer Syndrome; Hereditary neoplastic syndrome. Identifiers: Orphanet 140162, MedGen C0027672, MeSH D009386, MONDO:0015356.
Neurofibromatosis, type 1 (NF1). Also called: NEUROFIBROMATOSIS, TYPE I, SOMATIC; Neurofibromatosis, type I; VON RECKLINGHAUSEN DISEASE; Peripheral type neurofibromatosis. Identifiers: Orphanet 636, MedGen C0027831, MONDO:0018975, OMIM 162200. Disease mechanism: loss of function.

Submissions (2):

Labcorp Genetics (formerly Invitae), Labcorp
Classification: Uncertain significance for Neurofibromatosis, type 1. Last evaluated: 2020-04-14. Review status: criteria provided, single submitter. Criteria: Invitae Variant Classification Sherloc (09022015). Collection method: clinical testing. Allele origin: germline.
Comment: This sequence change replaces glutamine with histidine at codon 1814 of the NF1 protein (p.Gln1814His). The glutamine residue is moderately conserved and there is a small physicochemical difference between glutamine and histidine. This variant is not present in population databases (ExAC no frequency). This variant has not been reported in the literature in individuals with NF1-related conditions. Algorithms developed to predict the effect of missense changes on protein structure and function are either unavailable or do not agree on the potential impact of this missense change (SIFT: "Tolerated"; PolyPhen-2: "Probably Damaging"; Align-GVGD: "Class C0"). In summary, the available evidence is currently insufficient to determine the role of this variant in disease. Therefore, it has been classified as a Variant of Uncertain Significance.

Ambry Genetics
Classification: Uncertain significance for Cardiovascular phenotype; Hereditary cancer-predisposing syndrome. Last evaluated: 2020-03-20. Review status: criteria provided, single submitter. Criteria: Ambry Variant Classification Scheme 2023. Collection method: clinical testing. Allele origin: germline.
Comment: The p.Q1814H variant (also known as c.5442G>T), located in coding exon 37 of the NF1 gene, results from a G to T substitution at nucleotide position 5442. The glutamine at codon 1814 is replaced by histidine, an amino acid with highly similar properties. This amino acid position is highly conserved in available vertebrate species. In addition, this alteration is predicted to be deleterious by in silico analysis. Since supporting evidence is limited at this time, the clinical significance of this alteration remains unclear.